The following is an entry in ClinVar:

ClinVar aggregate classification (germline): Uncertain significance. Review status: criteria provided, multiple submitters, no conflicts (2 of 4 stars). 4 submissions from 4 submitters: Uncertain significance (4). Last evaluated 2025-06-16.

Conditions:
Inborn genetic diseases. Identifiers: MedGen C0950123, MeSH D030342.
Retinitis pigmentosa (RP). Identifiers: Orphanet 791, MedGen C0035334, MeSH D012174, MONDO:0019200, OMIM 268000. Inheritance: Autosomal dominant, autosomal recessive and X linked inheritance.

Allele frequency attached by ClinVar (database versions not stated): ExAC 0.00004; gnomAD exomes 0.00007 and 0.00016; gnomAD 0.00009; TOPMed 0.00011.
gnomAD v4.1: 241 of 1,612,538 alleles (0.015%); highest among the groups gnomAD compares: Non-Finnish European, 0.02%; no homozygotes.

Submissions (4):

Ambry Genetics
Classification: Uncertain significance for Inborn genetic diseases. Last evaluated: 2025-06-16. Review status: criteria provided, single submitter. Criteria: Ambry Variant Classification Scheme 2023. Collection method: clinical testing. Allele origin: germline.

Blueprint Genetics
Classification: Uncertain significance. Last evaluated: 2024-09-10. Review status: criteria provided, single submitter. Criteria: ACMG Guidelines, 2015. Collection method: clinical testing. Allele origin: germline.

Labcorp Genetics (formerly Invitae), Labcorp
Classification: Uncertain significance. Last evaluated: 2022-08-16. Review status: criteria provided, single submitter. Criteria: Invitae Variant Classification Sherloc (09022015). Collection method: clinical testing. Allele origin: germline.
Comment: This sequence change replaces arginine, which is basic and polar, with histidine, which is basic and polar, at codon 237 of the PDE6A protein (p.Arg237His). This variant is present in population databases (rs772815917, gnomAD 0.02%). This variant has not been reported in the literature in individuals affected with PDE6A-related conditions. ClinVar contains an entry for this variant (Variation ID: 351996). Algorithms developed to predict the effect of missense changes on protein structure and function (SIFT, PolyPhen-2, Align-GVGD) all suggest that this variant is likely to be tolerated. In summary, the available evidence is currently insufficient to determine the role of this variant in disease. Therefore, it has been classified as a Variant of Uncertain Significance.

Illumina Laboratory Services, Illumina
Classification: Uncertain significance for Retinitis pigmentosa. Last evaluated: 2018-01-13. Review status: criteria provided, single submitter. Criteria: ICSL Variant Classification Criteria 13 December 2019. Collection method: clinical testing. Allele origin: germline.

NM_000440.3(PDE6A):c.710G>A (p.Arg237His)

Gene: PDE6A (phosphodiesterase 6A; minus strand). Cytogenetic location: 5q32.
Variant type: single nucleotide variant.
Coding change: c.710G>A on transcript NM_000440.3 (MANE Select); coding-DNA position 710, G replaced by A.
Protein change: p.Arg237His; replaces arginine 237 with histidine.
Molecular consequence: missense variant.
Genome position (GRCh38, 1-based): chr5:149,933,937, C>T on the plus strand (G>A on the coding strand, the complement: PDE6A is on the minus strand). VCF-style: chr5-149933937-C-T. GRCh37 (hg19) VCF-style: chr5-149313500-C-T.
Other names: short protein forms R237H.
Identifiers: ClinVar variation 351996 (VCV000351996.13), dbSNP rs772815917, ClinGen allele CA3504981.